The following is an entry in ClinVar:

NM_000059.4(BRCA2):c.7172A>C (p.Glu2391Ala)

Gene: BRCA2 (BRCA2 DNA repair associated; plus strand). Cytogenetic location: 13q13.1.
Variant type: single nucleotide variant.
Coding change: c.7172A>C on transcript NM_000059.4 (MANE Select); coding-DNA position 7172, A replaced by C.
Protein change: p.Glu2391Ala; replaces glutamic acid 2391 with alanine.
Molecular consequence: missense variant. On other transcripts: non-coding transcript variant (1).
Genome position (GRCh38, 1-based): chr13:32,355,025, A>C. VCF-style: chr13-32355025-A-C. GRCh37 (hg19) VCF-style: chr13-32929162-A-C.
Other names: c.7076A>C, p.Glu2359Ala (NM_001406719.1); c.7172A>C, p.Glu2391Ala (NM_001406720.1, NM_001432077.1); c.2240A>C, p.Glu747Ala (NM_001406721.1); c.755A>C, p.Glu252Ala (NM_001406722.1); short protein forms E2359A, E2391A, E252A, E747A.
Identifiers: ClinVar variation 3386254 (VCV003386254.2).
Genomic context (GRCh38, chr13:32,355,025, plus strand): 5'-CTTCAAGCAATTTAGCAGTTTCAGGACATCCATTTTATCAAGTTTCTGCTACAAGAAATG[A>C]AAAAATGAGACACTTGATTACTACAGGCAGACCAACCAAAGTCTTTGTTCCACCTTTTAA-3'
Protein context (NP_000050.3, residues 2381-2401): PFYQVSATRN[Glu2391Ala]KMRHLITTGR

ClinVar aggregate classification (germline): Uncertain significance. Review status: criteria provided, multiple submitters, no conflicts (2 of 4 stars). 2 submissions from 2 submitters: Uncertain significance (2). Last evaluated 2024-09-16.

Conditions:
BRCA2-related cancer predisposition. Identifiers: MedGen CN377758, MONDO:0700269.
Hereditary cancer-predisposing syndrome. Also called: Neoplastic Syndromes, Hereditary; Hereditary Cancer Syndrome; Tumor predisposition; Hereditary neoplastic syndrome. Identifiers: Orphanet 140162, MedGen C0027672, MeSH D009386, MONDO:0015356.

Submissions (2):

All of Us Research Program, National Institutes of Health
Classification: Uncertain significance for BRCA2-related cancer predisposition. Last evaluated: 2024-09-16. Review status: criteria provided, single submitter. Criteria: ACMG Guidelines, 2015. Collection method: clinical testing. Allele origin: germline. Inheritance: Autosomal dominant inheritance. Observed: 1 variant allele, 1 heterozygote.
Comment: This missense variant replaces glutamic acid with alanine at codon 2391 of the BRCA2 protein. Computational prediction suggests that this variant may not impact protein structure and function. To our knowledge, functional studies have not been reported for this variant. This variant has not been reported in individuals affected with BRCA2-related disorders in the literature. This variant has not been identified in the general population by the Genome Aggregation Database (gnomAD). The available evidence is insufficient to determine the role of this variant in disease conclusively. Therefore, this variant is classified as a Variant of Uncertain Significance.

This study involves interpretation of variants in research participants for the purpose of population health screening. Participant phenotype was not available at the time of variant classification. Additional details can be found in publication PMID: 35346344, PMCID: PMC8962531

Color Diagnostics, LLC DBA Color Health
Classification: Uncertain significance for Hereditary cancer-predisposing syndrome. Last evaluated: 2024-07-23. Review status: criteria provided, single submitter. Criteria: ACMG Guidelines, 2015. Collection method: clinical testing. Allele origin: germline.
Comment: This missense variant replaces glutamic acid with alanine at codon 2391 of the BRCA2 protein. Computational prediction suggests that this variant may not impact protein structure and function. To our knowledge, functional studies have not been reported for this variant. This variant has not been reported in individuals affected with BRCA2-related disorders in the literature. This variant has not been identified in the general population by the Genome Aggregation Database (gnomAD). The available evidence is insufficient to determine the role of this variant in disease conclusively. Therefore, this variant is classified as a Variant of Uncertain Significance.